The following is an entry in ClinVar:

NM_002292.4(LAMB2):c.4394G>A (p.Arg1465Gln)

Gene: LAMB2 (laminin subunit beta 2; minus strand). Cytogenetic location: 3p21.31.
Variant type: single nucleotide variant.
Coding change: c.4394G>A on transcript NM_002292.4 (MANE Select); coding-DNA position 4394, G replaced by A.
Protein change: p.Arg1465Gln; replaces arginine 1465 with glutamine.
Molecular consequence: missense variant.
Genome position (GRCh38, 1-based): chr3:49,122,883, C>T on the plus strand (G>A on the coding strand, the complement: LAMB2 is on the minus strand). VCF-style: chr3-49122883-C-T. GRCh37 (hg19) VCF-style: chr3-49160316-C-T.
Other names: short protein forms R1465Q.
Identifiers: ClinVar variation 2038336 (VCV002038336.3), dbSNP rs749626905, ClinGen allele CA2393798.
Genomic context (GRCh38, chr3:49,122,883, plus strand): 5'-CTTGCCTGCCGACGAGTCTCAGCCACTCTGCTGAGGATGCTACCACCTTCTGCCAGTGCC[C>T]GCTGCAGCTCTGCCTGTGTGTGCCGGGCCCGGCCCAGTGCTAGGTCTGCTGTAGCCGCTG-3'
Protein context (NP_002283.3, residues 1455-1475): RARHTQAELQ[Arg1465Gln]ALAEGGSILS

ClinVar aggregate classification (germline): Uncertain significance. Review status: criteria provided, multiple submitters, no conflicts (2 of 4 stars). 2 submissions from 2 submitters: Uncertain significance (2). Last evaluated 2024-01-22.

Conditions:
Pierson syndrome. Also called: MICROCORIA-CONGENITAL NEPHROTIC SYNDROME. Identifiers: Orphanet 2670, MedGen C1836876, MONDO:0012184, OMIM 609049.
LAMB2-related infantile-onset nephrotic syndrome. Also called: Nephrotic Syndrome, type 5; NEPHROTIC SYNDROME, TYPE 5, WITHOUT OCULAR ABNORMALITIES; NEPHROTIC SYNDROME, TYPE 5, WITH OCULAR ABNORMALITIES. Identifiers: Orphanet 306507, MedGen C3280113, MONDO:0013621, OMIM 614199.

Allele frequency attached by ClinVar (database versions not stated): ExAC 0.00003; gnomAD 0.00008; TOPMed 0.00020.
gnomAD v4.1: 54 of 1,610,392 alleles (0.0034%); highest among the groups gnomAD compares: African/African-American, 0.021%; no homozygotes.

Submissions (2):

Fulgent Genetics
Classification: Uncertain significance for Pierson syndrome; LAMB2-related infantile-onset nephrotic syndrome. Last evaluated: 2024-01-22. Review status: criteria provided, single submitter. Criteria: ACMG Guidelines, 2015. Collection method: clinical testing. Allele origin: germline.

Labcorp Genetics (formerly Invitae), Labcorp
Classification: Uncertain significance for LAMB2-related infantile-onset nephrotic syndrome; Pierson syndrome. Last evaluated: 2022-01-16. Review status: criteria provided, single submitter. Criteria: Invitae Variant Classification Sherloc (09022015). Collection method: clinical testing. Allele origin: germline.
Comment: In summary, the available evidence is currently insufficient to determine the role of this variant in disease. Therefore, it has been classified as a Variant of Uncertain Significance. Algorithms developed to predict the effect of missense changes on protein structure and function are either unavailable or do not agree on the potential impact of this missense change (SIFT: "Deleterious"; PolyPhen-2: "Benign"; Align-GVGD: "Class C0"). This variant has not been reported in the literature in individuals affected with LAMB2-related conditions. This variant is present in population databases (rs749626905, gnomAD 0.03%). This sequence change replaces arginine, which is basic and polar, with glutamine, which is neutral and polar, at codon 1465 of the LAMB2 protein (p.Arg1465Gln).